The following is an entry in ClinVar:

ClinVar aggregate classification (germline): Uncertain significance (1 of 4 stars; one submission).

Allele frequency attached by ClinVar (database versions not stated): gnomAD 0.00001; ExAC 0.00002; TOPMed 0.00002.
gnomAD v4.1: 7 of 1,608,466 alleles (0.00044%); highest among the groups gnomAD compares: Middle Eastern, 0.016%; no homozygotes.

Submission:

CeGaT Center for Human Genetics Tuebingen
Classification: Uncertain significance. Last evaluated: 2023-08-01. Review status: criteria provided, single submitter. Criteria: CeGaT Center For Human Genetics Tuebingen Variant Classification Criteria Version 2. Collection method: clinical testing. Allele origin: germline. Affected: yes. Observed: 1 variant allele.
Comment: TRAPPC12: PM2, PM3:Supporting, BP4

NM_016030.6(TRAPPC12):c.562G>A (p.Ala188Thr)

Gene: TRAPPC12 (trafficking protein particle complex subunit 12; plus strand). Cytogenetic location: 2p25.3.
Variant type: single nucleotide variant.
Coding change: c.562G>A on transcript NM_016030.6 (MANE Select); coding-DNA position 562, G replaced by A.
Protein change: p.Ala188Thr; replaces alanine 188 with threonine.
Molecular consequence: missense variant.
Genome position (GRCh38, 1-based): chr2:3,388,185, G>A. VCF-style: chr2-3388185-G-A. GRCh37 (hg19) VCF-style: chr2-3391956-G-A.
Other names: c.562G>A, p.Ala188Thr (NM_001321102.2); short protein forms A188T.
Identifiers: ClinVar variation 2650633 (VCV002650633.24), dbSNP rs764644442, ClinGen allele CA1515105.